The following is an entry in ClinVar:

ClinVar aggregate classification (germline): Uncertain significance. Review status: criteria provided, multiple submitters, no conflicts (2 of 4 stars). 6 submissions from 6 submitters: Uncertain significance (6). Last evaluated 2026-06-24.

Conditions:
Bardet-Biedl syndrome 20. Identifiers: MedGen C4310707, MONDO:0023670, OMIM 619471, MONDO:0014926.
Retinitis pigmentosa 71 (RP71). Identifiers: Orphanet 791, MedGen C4225342, MONDO:0014618, OMIM 616394.
Short-rib thoracic dysplasia 10 with or without polydactyly (SRTD10). Identifiers: Orphanet 474, MedGen C3810175, MONDO:0014284, OMIM 615630.
IFT172-related disorder. Also called: IFT172-related condition; IFT172-related disorders.
Inborn genetic diseases. Identifiers: MedGen C0950123, MeSH D030342.

Allele frequency attached by ClinVar (database versions not stated): gnomAD exomes 0.00001 and 0.00003; ExAC 0.00004; gnomAD 0.00009; ESP Exome Variant Server 0.00015; TOPMed 0.00015; 1000 Genomes Project 0.00020; 1000 Genomes Project 30x 0.00078.
gnomAD v4.1: 26 of 1,614,152 alleles (0.0016%); highest among the groups gnomAD compares: African/African-American, 0.031%; no homozygotes.

Submissions (6):

PreventionGenetics, part of Exact Sciences
Classification: Uncertain significance for IFT172-related condition. Last evaluated: 2026-06-24. Review status: criteria provided, single submitter. Criteria: ACMG Guidelines, 2015. Collection method: clinical testing. Allele origin: germline.
Comment: The IFT172 c.2131G>A variant is predicted to result in the amino acid substitution p.Ala711Thr. To our knowledge, this variant has not been reported in the literature. This variant is reported in 0.044% of alleles in individuals of African descent in gnomAD. At this time, the clinical significance of this variant is uncertain due to the absence of conclusive functional and genetic evidence.

GeneDx
Classification: Uncertain significance. Last evaluated: 2025-02-20. Review status: criteria provided, single submitter. Criteria: GeneDx Variant Classification Process June 2021. Collection method: clinical testing. Allele origin: germline. Affected: yes.
Comment: In silico analysis supports that this missense variant has a deleterious effect on protein structure/function; Has not been previously published as pathogenic or benign to our knowledge

Ambry Genetics
Classification: Uncertain significance for Inborn genetic diseases. Last evaluated: 2023-12-18. Review status: criteria provided, single submitter. Criteria: Ambry Variant Classification Scheme 2023. Collection method: clinical testing. Allele origin: germline.

Blueprint Genetics
Classification: Uncertain significance. Last evaluated: 2022-08-30. Review status: criteria provided, single submitter. Criteria: ACMG Guidelines, 2015. Collection method: clinical testing. Allele origin: germline.

Labcorp Genetics (formerly Invitae), Labcorp
Classification: Uncertain significance for Retinitis pigmentosa 71; Short-rib thoracic dysplasia 10 with or without polydactyly. Last evaluated: 2022-07-11. Review status: criteria provided, single submitter. Criteria: Invitae Variant Classification Sherloc (09022015). Collection method: clinical testing. Allele origin: germline.
Comment: This sequence change replaces alanine, which is neutral and non-polar, with threonine, which is neutral and polar, at codon 711 of the IFT172 protein (p.Ala711Thr). This variant is present in population databases (rs144620711, gnomAD 0.05%). This variant has not been reported in the literature in individuals affected with IFT172-related conditions. ClinVar contains an entry for this variant (Variation ID: 1025726). Algorithms developed to predict the effect of missense changes on protein structure and function are either unavailable or do not agree on the potential impact of this missense change (SIFT: "Deleterious"; PolyPhen-2: "Probably Damaging"; Align-GVGD: "Class C0"). In summary, the available evidence is currently insufficient to determine the role of this variant in disease. Therefore, it has been classified as a Variant of Uncertain Significance.

Fulgent Genetics
Classification: Uncertain significance for Short-rib thoracic dysplasia 10 with or without polydactyly; Retinitis pigmentosa 71; Bardet-Biedl syndrome 20. Last evaluated: 2022-02-16. Review status: criteria provided, single submitter. Criteria: ACMG Guidelines, 2015. Collection method: clinical testing. Allele origin: unknown.

NM_015662.3(IFT172):c.2131G>A (p.Ala711Thr)

Gene: IFT172 (intraflagellar transport 172; minus strand). Cytogenetic location: 2p23.3.
Variant type: single nucleotide variant.
Coding change: c.2131G>A on transcript NM_015662.3 (MANE Select); coding-DNA position 2131, G replaced by A.
Protein change: p.Ala711Thr; replaces alanine 711 with threonine.
Molecular consequence: missense variant.
Genome position (GRCh38, 1-based): chr2:27,461,821, C>T on the plus strand (G>A on the coding strand, the complement: IFT172 is on the minus strand). VCF-style: chr2-27461821-C-T. GRCh37 (hg19) VCF-style: chr2-27684688-C-T.
Other names: c.2131G>A (NM_015662.2, NM_015662.1); short protein forms A711T.
Identifiers: ClinVar variation 1025726 (VCV001025726.13), dbSNP rs144620711, ClinGen allele CA1580391.